The following is an entry in ClinVar:

ClinVar aggregate classification (germline): Uncertain significance (1 of 4 stars; one submission).

Conditions:
Neuronal ceroid lipofuscinosis 7 (CLN7). Also called: MFSD8-Related Neuronal Ceroid-Lipofuscinosis. Identifiers: Orphanet 168491, Orphanet 228366, MedGen C1838571, MONDO:0012588, OMIM 610951.

Submission:

Labcorp Genetics (formerly Invitae), Labcorp
Classification: Uncertain significance for Ceroid lipofuscinosis neuronal 7. Last evaluated: 2018-09-14. Review status: criteria provided, single submitter. Criteria: Invitae Variant Classification Sherloc (09022015). Collection method: clinical testing. Allele origin: germline.
Comment: This variant is a gross duplication of the genomic region encompassing exons 2-10 of the MFSD8 gene, which includes the start codon for the MFSD8 protein. The 5' end of this event is unknown as it extends beyond the assayed region for this gene and therefore may encompass the non-coding exon 1 and/or additional genes. The 3' boundary is likely confined to intron 10 of the MFSD8 gene. This variant has not been reported in the literature in individuals with a MFSD8-related disease. In summary, the exact genomic location of this variant is unknown and the impact of this duplication on MFSD8 protein function has not been established. Therefore, it has been classified as a Variant of Uncertain Significance.

NC_000004.11:g.(?_128851818)_(128886308_?)dup

Genes: MFSD8 (major facilitator superfamily domain containing 8; minus strand), LOC129993055 (ATAC-STARR-seq lymphoblastoid silent region 15675; plus strand), LOC129993056 (ATAC-STARR-seq lymphoblastoid silent region 15676; plus strand), LOC129993057 (ATAC-STARR-seq lymphoblastoid silent region 15677; plus strand). Cytogenetic location: 4q28.2.
Variant type: Duplication.
Identifiers: ClinVar variation 659611 (VCV000659611.1).